The following is an entry in ClinVar:

NM_053004.3(GNB1L):c.517-5C>T

Gene: GNB1L (G protein subunit beta 1 like; minus strand). Cytogenetic location: 22q11.21.
Variant type: single nucleotide variant.
Coding change: c.517-5C>T on transcript NM_053004.3 (MANE Select); 5 bases into the intron before coding-DNA position 517, C replaced by T.
Molecular consequence: intron variant.
Genome position (GRCh38, 1-based): chr22:19,802,221, G>A on the plus strand (C>T on the coding strand, the complement: GNB1L is on the minus strand). VCF-style: chr22-19802221-G-A. GRCh37 (hg19) VCF-style: chr22-19789744-G-A.
Identifiers: ClinVar variation 3040030 (VCV003040030.2), dbSNP rs375516094, ClinGen allele CA10103086.
Genomic context (GRCh38, chr22:19,802,221, plus strand): 5'-ACCACCGATCCATCCTCATAGCCGGCCAGAAGGAGTGGGCGGGAGCTGCAGTCGGCCTGC[G>A]GGGAACAGCAGAGCAGTCAGCTCCTGGAAGGACCCTGACTCCAGTGAGTTTCGGGGGAGA-3'

ClinVar aggregate classification (germline): Likely benign (0 of 4 stars; one submission).

Conditions:
GNB1L-related disorder. Also called: GNB1L-related condition.

Allele frequency attached by ClinVar (database versions not stated): gnomAD exomes 0.00002; TOPMed 0.00002; gnomAD 0.00004; ExAC 0.00006; 1000 Genomes Project 30x 0.00016; 1000 Genomes Project 0.00020.
gnomAD v4.1: 50 of 1,611,222 alleles (0.0031%); highest among the groups gnomAD compares: Middle Eastern, 0.033%; 1 homozygote.

Submission:

PreventionGenetics, part of Exact Sciences
Classification: Likely benign for GNB1L-related condition. Last evaluated: 2019-09-18. Review status: no assertion criteria provided. Collection method: clinical testing. Allele origin: germline.
Comment: This variant is classified as likely benign based on ACMG/AMP sequence variant interpretation guidelines (Richards et al. 2015 PMID: 25741868, with internal and published modifications).